The following is an entry in ClinVar:

NM_015015.3(KDM4B):c.2901+44_2901+45insTAGCGACAACCTGTACCCCGAGAGCATCACGGTGAGCTGTGGGGTGGGGCAGGGGGCGGGGGGAGGCTGGGAGCA

Gene: KDM4B (lysine demethylase 4B; plus strand). Cytogenetic location: 19p13.3.
Variant type: Microsatellite.
Coding change: c.2901+44_2901+45insTAGCGACAACCTGTACCCCGAGAGCATCACGGTGAGCTGTGGGGTGGGGCAGGGGGCGGGGGGAGGCTGGGAGCA on transcript NM_015015.3 (MANE Select); bases 44 to 45 of the intron after coding-DNA position 2901, TAGCGACAACCTGTACCCCGAGAGCATCACGGTGAGCTGTGGGGTGGGGCAGGGGGCGGGGGGAGGCTGGGAGCA inserted.
Molecular consequence: splice donor variant.
Genome position: GRCh38: chr19:5,144,401-5,144,456. GRCh37 (hg19): chr19:5,144,412-5,144,467.
Other names: c.3003+44_3003+45insTAGCGACAACCTGTACCCCGAGAGCATCACGGTGAGCTGTGGGGTGGGGCAGGGGGCGGGGGGAGGCTGGGAGCA (NM_001411148.1).
Identifiers: ClinVar variation 3391660 (VCV003391660.1).

ClinVar aggregate classification (germline): Uncertain significance (1 of 4 stars; one submission).

Submission:

GeneDx
Classification: Uncertain significance. Last evaluated: 2024-06-20. Review status: criteria provided, single submitter. Criteria: GeneDx Variant Classification Process June 2021. Collection method: clinical testing. Allele origin: germline. Affected: yes.
Comment: Not observed at significant frequency in large population cohorts (gnomAD); In silico analysis supports a deleterious effect on splicing; Has not been previously published as pathogenic or benign to our knowledge